The following is an entry in ClinVar:

ClinVar aggregate classification (germline): Uncertain significance (1 of 4 stars; one submission).

Conditions:
Dilated cardiomyopathy 1II (CMD1II). Identifiers: Orphanet 154, MedGen C3554649, MONDO:0014073, OMIM 615184.

gnomAD v4.1: 1 of 1,613,080 alleles (0.000062%); highest among the groups gnomAD compares: South Asian, 0.0011%; no homozygotes.

Submission:

Labcorp Genetics (formerly Invitae), Labcorp
Classification: Uncertain significance for Dilated cardiomyopathy 1II. Last evaluated: 2025-08-01. Review status: criteria provided, single submitter. Criteria: Invitae Variant Classification Sherloc (09022015). Collection method: clinical testing. Allele origin: germline.
Comment: This sequence change replaces alanine, which is neutral and non-polar, with threonine, which is neutral and polar, at codon 168 of the CRYAB protein (p.Ala168Thr). This variant is not present in population databases (gnomAD no frequency). This variant has not been reported in the literature in individuals affected with CRYAB-related conditions. An algorithm developed to predict the effect of missense changes on protein structure and function (PolyPhen-2) suggests that this variant is likely to be tolerated. In summary, the available evidence is currently insufficient to determine the role of this variant in disease. Therefore, it has been classified as a Variant of Uncertain Significance.

NM_001289808.2(CRYAB):c.502G>A (p.Ala168Thr)

Gene: CRYAB (crystallin alpha B; minus strand). Cytogenetic location: 11q23.1.
Variant type: single nucleotide variant.
Coding change: c.502G>A on transcript NM_001289808.2 (MANE Select); coding-DNA position 502, G replaced by A.
Protein change: p.Ala168Thr; replaces alanine 168 with threonine.
Molecular consequence: missense variant.
Genome position (GRCh38, 1-based): chr11:111,908,790, C>T on the plus strand (G>A on the coding strand, the complement: CRYAB is on the minus strand). VCF-style: chr11-111908790-C-T. GRCh37 (hg19) VCF-style: chr11-111779514-C-T.
Other names: c.502G>A, p.Ala168Thr (NM_001289807.1, NM_001368245.1, NM_001885.3); c.301G>A, p.Ala101Thr (NM_001330379.1, NM_001368246.1); short protein forms A101T, A168T.
Identifiers: ClinVar variation 4804080 (VCV004804080.1).